The following is an entry in ClinVar:

ClinVar aggregate classification (germline): Uncertain significance. Review status: criteria provided, multiple submitters, no conflicts (2 of 4 stars). 4 submissions from 4 submitters: Uncertain significance (4). Last evaluated 2025-07-01.

Conditions:
Hereditary cancer-predisposing syndrome. Also called: Neoplastic Syndromes, Hereditary; Tumor predisposition; Hereditary Cancer Syndrome; Hereditary neoplastic syndrome. Identifiers: Orphanet 140162, MedGen C0027672, MeSH D009386, MONDO:0015356.
Hereditary diffuse gastric adenocarcinoma (HDGC). Also called: DIFFUSE GASTRIC AND LOBULAR BREAST CANCER SYNDROME. Identifiers: Orphanet 26106, MedGen C1708349, MONDO:0007648, OMIM 137215.

Allele frequency attached by ClinVar (database versions not stated): gnomAD exomes below 0.00001; TOPMed below 0.00001; ExAC 0.00001.

Submissions (4):

Labcorp Genetics (formerly Invitae), Labcorp
Classification: Uncertain significance for Hereditary diffuse gastric adenocarcinoma. Last evaluated: 2025-07-01. Review status: criteria provided, single submitter. Criteria: Invitae Variant Classification Sherloc (09022015). Collection method: clinical testing. Allele origin: germline.
Comment: This sequence change replaces glycine, which is neutral and non-polar, with valine, which is neutral and non-polar, at codon 775 of the CDH1 protein (p.Gly775Val). This variant is present in population databases (rs778581202, gnomAD 0.004%). This variant has not been reported in the literature in individuals affected with CDH1-related conditions. ClinVar contains an entry for this variant (Variation ID: 567993). An algorithm developed to predict the effect of missense changes on protein structure and function (PolyPhen-2) suggests that this variant is likely to be disruptive. In summary, the available evidence is currently insufficient to determine the role of this variant in disease. Therefore, it has been classified as a Variant of Uncertain Significance.

Ambry Genetics
Classification: Uncertain significance for Hereditary cancer-predisposing syndrome. Last evaluated: 2024-10-31. Review status: criteria provided, single submitter. Criteria: Ambry Variant Classification Scheme 2023. Collection method: clinical testing. Allele origin: germline.
Comment: The p.G775V variant (also known as c.2324G>T), located in coding exon 15 of the CDH1 gene, results from a G to T substitution at nucleotide position 2324. The glycine at codon 775 is replaced by valine, an amino acid with dissimilar properties. This amino acid position is conserved. In addition, this alteration is predicted to be deleterious by in silico analysis. Based on the available evidence, the clinical significance of this variant remains unclear.

Quest Diagnostics Nichols Institute San Juan Capistrano
Classification: Uncertain significance. Last evaluated: 2022-11-15. Review status: criteria provided, single submitter. Criteria: Quest Diagnostics criteria. Collection method: clinical testing. Allele origin: unknown.
Comment: The variant has not been reported in the published literature. The frequency of this variant in the general population, 0.000004 (1/251456 chromosomes), is uninformative in assessment of its pathogenicity. Analysis of this variant using bioinformatics tools for the prediction of the effect of amino acid changes on protein structure and function yielded predictions that this variant is damaging. Based on the available information, we are unable to determine the clinical significance of this variant.

GeneDx
Classification: Uncertain significance. Last evaluated: 2019-06-26. Review status: criteria provided, single submitter. Criteria: GeneDx Variant Classification Process June 2021. Collection method: clinical testing. Allele origin: germline. Affected: yes.
Comment: Not observed at a significant frequency in large population cohorts (Lek et al., 2016); In silico analysis, which includes protein predictors and evolutionary conservation, supports a deleterious effect; Has not been previously published as pathogenic or benign to our knowledge

NM_004360.5(CDH1):c.2324G>T (p.Gly775Val)

Gene: CDH1 (cadherin 1; plus strand). Cytogenetic location: 16q22.1.
Variant type: single nucleotide variant.
Coding change: c.2324G>T on transcript NM_004360.5 (MANE Select); coding-DNA position 2324, G replaced by T.
Protein change: p.Gly775Val; replaces glycine 775 with valine.
Molecular consequence: missense variant.
Genome position (GRCh38, 1-based): chr16:68,829,682, G>T. VCF-style: chr16-68829682-G-T. GRCh37 (hg19) VCF-style: chr16-68863585-G-T.
Other names: c.2141G>T, p.Gly714Val (NM_001317184.2); c.776G>T, p.Gly259Val (NM_001317185.2); c.359G>T, p.Gly120Val (NM_001317186.2); c.2324G>T (NM_004360.4, LRG_301t1); short protein forms G775V, G120V, G259V, G714V.
Identifiers: ClinVar variation 567993 (VCV000567993.15), dbSNP rs778581202, ClinGen allele CA8130257.
Genomic context (GRCh38, chr16:68,829,682, plus strand): 5'-CTTCATTGTACTTCAACCTTTTTTCTCCAAAGGACTTTGACTTGAGCCAGCTGCACAGGG[G>T]CCTGGACGCTCGGCCTGAAGTGACTCGTAACGACGTTGCACCAACCCTCATGAGTGTCCC-3'
Protein context (NP_004351.1, residues 765-785): QDFDLSQLHR[Gly775Val]LDARPEVTRN